The following is an entry in ClinVar:

NM_001308093.3(GATA4):c.274G>A (p.Ala92Thr)

Gene: GATA4 (GATA binding protein 4). Cytogenetic location: 8p23.1.
Variant type: single nucleotide variant.
Coding change: c.274G>A on transcript NM_001308093.3 (MANE Select); coding-DNA position 274, G replaced by A.
Protein change: p.Ala92Thr; replaces alanine 92 with threonine.
Molecular consequence: missense variant. On other transcripts: intron variant (3).
Genome position (GRCh38, 1-based): chr8:11,708,586, G>A. VCF-style: chr8-11708586-G-A. GRCh37 (hg19) VCF-style: chr8-11566095-G-A.
Other names: c.274G>A, p.Ala92Thr (NM_002052.5); c.-6+7808G>A (NM_001308094.2); c.-3+572G>A (NM_001374274.1); c.-3+4282G>A (NM_001374273.1); short protein forms A92T.
Identifiers: ClinVar variation 2149503 (VCV002149503.4), dbSNP rs2130069057, ClinGen allele CA370309290.

ClinVar aggregate classification (germline): Uncertain significance (1 of 4 stars; one submission).

Conditions:
Atrioventricular septal defect 4 (AVSD4). Identifiers: MedGen C3280781, MONDO:0013747, OMIM 614430.

gnomAD v4.1: 2 of 1,360,980 alleles (0.00015%); highest among the groups gnomAD compares: Non-Finnish European, 0.00019%; no homozygotes.

Submission:

Labcorp Genetics (formerly Invitae), Labcorp
Classification: Uncertain significance for Atrioventricular septal defect 4. Last evaluated: 2024-06-17. Review status: criteria provided, single submitter. Criteria: Invitae Variant Classification Sherloc (09022015). Collection method: clinical testing. Allele origin: germline.
Comment: This sequence change replaces alanine, which is neutral and non-polar, with threonine, which is neutral and polar, at codon 92 of the GATA4 protein (p.Ala92Thr). This variant is not present in population databases (gnomAD no frequency). This variant has not been reported in the literature in individuals affected with GATA4-related conditions. ClinVar contains an entry for this variant (Variation ID: 2149503). Advanced modeling of protein sequence and biophysical properties (such as structural, functional, and spatial information, amino acid conservation, physicochemical variation, residue mobility, and thermodynamic stability) performed at Invitae indicates that this missense variant is not expected to disrupt GATA4 protein function with a negative predictive value of 80%. In summary, the available evidence is currently insufficient to determine the role of this variant in disease. Therefore, it has been classified as a Variant of Uncertain Significance.